The following is an entry in ClinVar:

NM_015047.3(EMC1):c.1361G>T (p.Cys454Phe)

Genes: EMC1 (ER membrane protein complex subunit 1; minus strand), EMC1-AS1 (EMC1 antisense RNA 1; plus strand). Cytogenetic location: 1p36.13.
Variant type: single nucleotide variant.
Coding change: c.1361G>T on transcript NM_015047.3 (MANE Select); coding-DNA position 1361, G replaced by T.
Protein change: p.Cys454Phe; replaces cysteine 454 with phenylalanine.
Molecular consequence: missense variant.
Genome position (GRCh38, 1-based): chr1:19,235,201, C>A on the plus strand (G>T on the coding strand, the complement: EMC1 is on the minus strand). VCF-style: chr1-19235201-C-A. GRCh37 (hg19) VCF-style: chr1-19561695-C-A.
Other names: c.1358G>T, p.Cys453Phe (NM_001271427.2, NM_001271428.2, NM_001375821.1); c.1295G>T, p.Cys432Phe (NM_001271429.2); c.1361G>T, p.Cys454Phe (NM_001375820.1); c.1361G>T (NM_015047.1); short protein forms C432F, C453F, C454F.
Identifiers: ClinVar variation 1477331 (VCV001477331.7), dbSNP rs1288036949, ClinGen allele CA338764139.

ClinVar aggregate classification (germline): Uncertain significance. Review status: criteria provided, multiple submitters, no conflicts (2 of 4 stars). 2 submissions from 2 submitters: Uncertain significance (2). Last evaluated 2025-12-15.

Conditions:
Inborn genetic diseases. Identifiers: MedGen C0950123, MeSH D030342.

Allele frequency attached by ClinVar (database versions not stated): gnomAD exomes below 0.00001; gnomAD 0.00001; TOPMed 0.00001.

Submissions (2):

Ambry Genetics
Classification: Uncertain significance for Inborn genetic diseases. Last evaluated: 2025-12-15. Review status: criteria provided, single submitter. Criteria: Ambry Variant Classification Scheme 2023. Collection method: clinical testing. Allele origin: germline.

Labcorp Genetics (formerly Invitae), Labcorp
Classification: Uncertain significance. Last evaluated: 2021-10-19. Review status: criteria provided, single submitter. Criteria: Invitae Variant Classification Sherloc (09022015). Collection method: clinical testing. Allele origin: germline.
Comment: In summary, the available evidence is currently insufficient to determine the role of this variant in disease. Therefore, it has been classified as a Variant of Uncertain Significance. Algorithms developed to predict the effect of missense changes on protein structure and function are either unavailable or do not agree on the potential impact of this missense change (SIFT: "Deleterious"; PolyPhen-2: "Benign"; Align-GVGD: "Class C0"). This variant has not been reported in the literature in individuals affected with EMC1-related conditions. This variant is not present in population databases (ExAC no frequency). This sequence change replaces cysteine with phenylalanine at codon 454 of the EMC1 protein (p.Cys454Phe). The cysteine residue is moderately conserved and there is a large physicochemical difference between cysteine and phenylalanine.